The following is an entry in ClinVar:

ClinVar aggregate classification (germline): Uncertain significance (1 of 4 stars; one submission).

Conditions:
Desmin-related myofibrillar myopathy (MFM1). Also called: Myofibrillar myopathy 1; Desminopathy; Desmin related myopathy (former name); Desmin storage myopathy (former name); MYOFIBRILLAR MYOPATHY WITH ARRHYTHMOGENIC RIGHT VENTRICULAR CARDIOMYOPATHY; DESMIN-RELATED MYOPATHY WITH ARRHYTHMOGENIC RIGHT VENTRICULAR CARDIOMYOPATHY. Identifiers: Orphanet 363543, Orphanet 98909, MedGen C1832370, MONDO:0011076, OMIM 601419.

Submission:

Labcorp Genetics (formerly Invitae), Labcorp
Classification: Uncertain significance for Desmin-related myofibrillar myopathy. Last evaluated: 2022-01-28. Review status: criteria provided, single submitter. Criteria: Invitae Variant Classification Sherloc (09022015). Collection method: clinical testing. Allele origin: germline.
Comment: Algorithms developed to predict the effect of missense changes on protein structure and function are either unavailable or do not agree on the potential impact of this missense change (SIFT: "Tolerated"; PolyPhen-2: "Probably Damaging"; Align-GVGD: "Class C0"). This variant has not been reported in the literature in individuals affected with DES-related conditions. This variant is not present in population databases (gnomAD no frequency). This sequence change replaces glutamic acid, which is acidic and polar, with aspartic acid, which is acidic and polar, at codon 412 of the DES protein (p.Glu412Asp). In summary, the available evidence is currently insufficient to determine the role of this variant in disease. Therefore, it has been classified as a Variant of Uncertain Significance.

NM_001927.4(DES):c.1236G>T (p.Glu412Asp)

Gene: DES (desmin; plus strand). Cytogenetic location: 2q35.
Variant type: single nucleotide variant.
Coding change: c.1236G>T on transcript NM_001927.4 (MANE Select); coding-DNA position 1236, G replaced by T.
Protein change: p.Glu412Asp; replaces glutamic acid 412 with aspartic acid.
Molecular consequence: missense variant.
Genome position (GRCh38, 1-based): chr2:219,421,552, G>T. VCF-style: chr2-219421552-G-T. GRCh37 (hg19) VCF-style: chr2-220286274-G-T.
Other names: c.1233G>T, p.Glu411Asp (NM_001382708.1); c.804G>T, p.Glu268Asp (NM_001382709.1); c.1167G>T, p.Glu389Asp (NM_001382710.1); c.1215G>T, p.Glu405Asp (NM_001382711.1); c.1236G>T, p.Glu412Asp (NM_001382712.1); c.966G>T, p.Glu322Asp (NM_001382713.1); short protein forms E268D, E322D, E389D, E412D, E405D, E411D.
Identifiers: ClinVar variation 2090670 (VCV002090670.4), dbSNP rs1419136135, ClinGen allele CA350695098.